The following is an entry in ClinVar:

NM_024675.4(PALB2):c.1883A>C (p.Lys628Thr)

Gene: PALB2 (partner and localizer of BRCA2; minus strand). Cytogenetic location: 16p12.2.
Variant type: single nucleotide variant.
Coding change: c.1883A>C on transcript NM_024675.4 (MANE Select); coding-DNA position 1883, A replaced by C.
Protein change: p.Lys628Thr; replaces lysine 628 with threonine.
Molecular consequence: missense variant.
Genome position (GRCh38, 1-based): chr16:23,630,271, T>G on the plus strand (A>C on the coding strand, the complement: PALB2 is on the minus strand). VCF-style: chr16-23630271-T-G. GRCh37 (hg19) VCF-style: chr16-23641592-T-G.
Other names: short protein forms K628T.
Identifiers: ClinVar variation 482068 (VCV000482068.27), dbSNP rs954390684, ClinGen allele CA279493367.

ClinVar aggregate classification (germline): Conflicting classifications of pathogenicity. Review status: criteria provided, conflicting classifications (1 of 4 stars). 8 submissions from 8 submitters: Uncertain significance (7); Likely benign (1). Last evaluated 2025-12-30.

Conditions:
Hereditary cancer-predisposing syndrome. Also called: Tumor predisposition; Hereditary Cancer Syndrome; Neoplastic Syndromes, Hereditary; Hereditary neoplastic syndrome. Identifiers: Orphanet 140162, MedGen C0027672, MeSH D009386, MONDO:0015356.
Familial cancer of breast. Also called: hereditary breast carcinoma; Hereditary breast cancer; BREAST CANCER, FAMILIAL. Identifiers: Orphanet 227535, MedGen C0346153, MONDO:0016419, OMIM 114480. Disease mechanism: loss of function.

Allele frequency attached by ClinVar (database versions not stated): gnomAD 0.00001; gnomAD exomes 0.00001 and below 0.00001; TOPMed 0.00002.
gnomAD v4.1: 5 of 1,614,014 alleles (0.00031%); highest among the groups gnomAD compares: Middle Eastern, 0.016%; no homozygotes.

Submissions (8):

Labcorp Genetics (formerly Invitae), Labcorp
Classification: Uncertain significance for Familial cancer of breast. Last evaluated: 2025-12-30. Review status: criteria provided, single submitter. Criteria: Invitae Variant Classification Sherloc (09022015). Collection method: clinical testing. Allele origin: germline.
Comment: This sequence change replaces lysine, which is basic and polar, with threonine, which is neutral and polar, at codon 628 of the PALB2 protein (p.Lys628Thr). This variant is present in population databases (no rsID available, gnomAD 0.003%). This variant has not been reported in the literature in individuals affected with PALB2-related conditions. ClinVar contains an entry for this variant (Variation ID: 482068). Invitae Evidence Modeling of protein sequence and biophysical properties (such as structural, functional, and spatial information, amino acid conservation, physicochemical variation, residue mobility, and thermodynamic stability) indicates that this missense variant is expected to disrupt PALB2 protein function with a positive predictive value of 80%. In summary, the available evidence is currently insufficient to determine the role of this variant in disease. Therefore, it has been classified as a Variant of Uncertain Significance.

Center for Genomic Medicine, Rigshospitalet, Copenhagen University Hospital
Classification: Uncertain significance. Last evaluated: 2025-12-29. Review status: criteria provided, single submitter. Criteria: ACMG Guidelines, 2015. Collection method: clinical testing. Allele origin: germline.
Comment: Classification criteria: BP1

Myriad Genetics, Inc.
Classification: Likely benign for Familial cancer of breast. Last evaluated: 2025-01-14. Review status: criteria provided, single submitter. Criteria: Myriad Autosomal Dominant, Autosomal Recessive and X-Linked Classification Criteria (2023). Collection method: clinical testing. Allele origin: unknown.
Comment: This variant is considered likely benign. Homozygosity for this variant has been confirmed in one or more individuals lacking clinical features consistent with gene-specific recessive disease, indicating that this variant is unlikely to be pathogenic.

Blueprint Genetics
Classification: Uncertain significance. Last evaluated: 2024-11-06. Review status: criteria provided, single submitter. Criteria: ACMG Guidelines, 2015. Collection method: clinical testing. Allele origin: germline.

Women's Health and Genetics/Laboratory Corporation of America, LabCorp
Classification: Uncertain significance. Last evaluated: 2024-10-28. Review status: criteria provided, single submitter. Criteria: LabCorp Variant Classification Summary - May 2015. Collection method: clinical testing. Allele origin: germline.
Comment: Variant summary: PALB2 c.1883A>C (p.Lys628Thr) results in a non-conservative amino acid change in the encoded protein sequence. Four of five in-silico tools predict a damaging effect of the variant on protein function. The variant allele was found at a frequency of 8e-06 in 251108 control chromosomes. The available data on variant occurrences in the general population are insufficient to allow any conclusion about variant significance. To our knowledge, no occurrence of c.1883A>C in individuals affected with Breast Cancer and no experimental evidence demonstrating its impact on protein function have been reported. ClinVar contains an entry for this variant (Variation ID: 482068). Based on the evidence outlined above, the variant was classified as uncertain significance.

Ambry Genetics
Classification: Uncertain significance for Hereditary cancer-predisposing syndrome. Last evaluated: 2024-04-01. Review status: criteria provided, single submitter. Criteria: Ambry Variant Classification Scheme 2023. Collection method: clinical testing. Allele origin: germline.
Comment: The p.K628T variant (also known as c.1883A>C), located in coding exon 5 of the PALB2 gene, results from an A to C substitution at nucleotide position 1883. The lysine at codon 628 is replaced by threonine, an amino acid with similar properties. This amino acid position is well conserved in available vertebrate species. In addition, this alteration is predicted to be tolerated by in silico analysis. Since supporting evidence is limited at this time, the clinical significance of this alteration remains unclear.

Color Diagnostics, LLC DBA Color Health
Classification: Uncertain significance for Hereditary cancer-predisposing syndrome. Last evaluated: 2023-10-02. Review status: criteria provided, single submitter. Criteria: ACMG Guidelines, 2015. Collection method: clinical testing. Allele origin: germline.
Comment: This missense variant replaces lysine with threonine at codon 628 of the PALB2 protein. Computational prediction suggests that this variant may not impact protein structure and function (internally defined REVEL score threshold <= 0.5, PMID: 27666373). To our knowledge, functional studies have not been reported for this variant. This variant has not been reported in individuals affected with PALB2-related disorders in the literature. This variant has been identified in 2/251108 chromosomes in the general population by the Genome Aggregation Database (gnomAD). The available evidence is insufficient to determine the role of this variant in disease conclusively. Therefore, this variant is classified as a Variant of Uncertain Significance.

GeneDx
Classification: Uncertain significance. Last evaluated: 2023-01-20. Review status: criteria provided, single submitter. Criteria: GeneDx Variant Classification Process June 2021. Collection method: clinical testing. Allele origin: germline. Affected: yes.
Comment: Not observed at significant frequency in large population cohorts (gnomAD); In silico analysis supports that this missense variant has a deleterious effect on protein structure/function; Has not been previously published as pathogenic or benign to our knowledge; This variant is associated with the following publications: (PMID: 22941656)